The following is an entry in ClinVar:

ClinVar aggregate classification (germline): Conflicting classifications of pathogenicity. Review status: criteria provided, conflicting classifications (1 of 4 stars). 3 submissions from 3 submitters: Uncertain significance (2); Likely benign (1). Last evaluated 2025-11-02.

Conditions:
Cardiovascular phenotype. Identifiers: MedGen CN230736.
Dilated cardiomyopathy 1HH (CMD1HH). Identifiers: Orphanet 154, MedGen C3151293, MONDO:0013479, OMIM 613881.
Myofibrillar myopathy 6. Identifiers: Orphanet 199340, MedGen C2751831, MONDO:0013061, OMIM 612954.

Allele frequency attached by ClinVar (database versions not stated): gnomAD 0.00001; gnomAD exomes 0.00001 and 0.00002; TOPMed 0.00001.
gnomAD v4.1: 32 of 1,613,962 alleles (0.002%); highest among the groups gnomAD compares: Non-Finnish European, 0.0025%; no homozygotes.

Submissions (3):

Labcorp Genetics (formerly Invitae), Labcorp
Classification: Uncertain significance for Dilated cardiomyopathy 1HH; Myofibrillar myopathy 6. Last evaluated: 2025-11-02. Review status: criteria provided, single submitter. Criteria: Invitae Variant Classification Sherloc (09022015). Collection method: clinical testing. Allele origin: germline.
Comment: This sequence change replaces proline, which is neutral and non-polar, with serine, which is neutral and polar, at codon 333 of the BAG3 protein (p.Pro333Ser). This variant is present in population databases (no rsID available, gnomAD 0.007%). This variant has not been reported in the literature in individuals affected with BAG3-related conditions. ClinVar contains an entry for this variant (Variation ID: 451778). Invitae Evidence Modeling of protein sequence and biophysical properties (such as structural, functional, and spatial information, amino acid conservation, physicochemical variation, residue mobility, and thermodynamic stability) indicates that this missense variant is not expected to disrupt BAG3 protein function with a negative predictive value of 80%. In summary, the available evidence is currently insufficient to determine the role of this variant in disease. Therefore, it has been classified as a Variant of Uncertain Significance.

GeneDx
Classification: Uncertain significance. Last evaluated: 2025-06-05. Review status: criteria provided, single submitter. Criteria: GeneDx Variant Classification Process June 2021. Collection method: clinical testing. Allele origin: germline. Affected: yes.
Comment: Not observed at significant frequency in large population cohorts (gnomAD); In silico analysis suggests that this missense variant does not alter protein structure/function; Has not been previously published as pathogenic or benign to our knowledge; This variant is associated with the following publications: (PMID: 20001957)

Ambry Genetics
Classification: Likely benign for Cardiovascular phenotype. Last evaluated: 2024-08-29. Review status: criteria provided, single submitter. Criteria: Ambry Variant Classification Scheme 2023. Collection method: clinical testing. Allele origin: germline.

NM_004281.4(BAG3):c.997C>T (p.Pro333Ser)

Gene: BAG3 (BAG cochaperone 3; plus strand). Cytogenetic location: 10q26.11.
Variant type: single nucleotide variant.
Coding change: c.997C>T on transcript NM_004281.4 (MANE Select); coding-DNA position 997, C replaced by T.
Protein change: p.Pro333Ser; replaces proline 333 with serine.
Molecular consequence: missense variant.
Genome position (GRCh38, 1-based): chr10:119,676,551, C>T. VCF-style: chr10-119676551-C-T. GRCh37 (hg19) VCF-style: chr10-121436063-C-T.
Other names: short protein forms P333S.
Identifiers: ClinVar variation 451778 (VCV000451778.9), dbSNP rs1393181351, ClinGen allele CA378296426.
Genomic context (GRCh38, chr10:119,676,551, plus strand): 5'-CCTGTTTCCCAGCCTGAAAACAAACCAGAAAGTAAGCCAGGCCCAGTTGGACCAGAACTC[C>T]CTCCTGGACACATCCCAATTCAAGTGATCCGCAAAGAGGTGGATTCTAAACCTGTTTCCC-3'
Protein context (NP_004272.2, residues 323-343): SKPGPVGPEL[Pro333Ser]PGHIPIQVIR